The following is an entry in ClinVar:

NM_004380.3(CREBBP):c.5540A>G (p.Lys1847Arg)

Gene: CREBBP (CREB binding lysine acetyltransferase; minus strand). Cytogenetic location: 16p13.3.
Variant type: single nucleotide variant.
Coding change: c.5540A>G on transcript NM_004380.3 (MANE Select); coding-DNA position 5540, A replaced by G.
Protein change: p.Lys1847Arg; replaces lysine 1847 with arginine.
Molecular consequence: missense variant.
Genome position (GRCh38, 1-based): chr16:3,729,507, T>C on the plus strand (A>G on the coding strand, the complement: CREBBP is on the minus strand). VCF-style: chr16-3729507-T-C. GRCh37 (hg19) VCF-style: chr16-3779508-T-C.
Other names: c.5426A>G, p.Lys1809Arg (NM_001079846.1); short protein forms K1809R, K1847R.
Identifiers: ClinVar variation 2733791 (VCV002733791.3), dbSNP rs2151310058, ClinGen allele CA394556064.

ClinVar aggregate classification (germline): Uncertain significance (1 of 4 stars; one submission).

Conditions:
Rubinstein-Taybi syndrome (RSTS). Identifiers: Orphanet 783, MedGen C0035934, MONDO:0019188.

Submission:

Labcorp Genetics (formerly Invitae), Labcorp
Classification: Uncertain significance for Rubinstein-Taybi syndrome. Last evaluated: 2024-01-22. Review status: criteria provided, single submitter. Criteria: Invitae Variant Classification Sherloc (09022015). Collection method: clinical testing. Allele origin: germline.
Comment: This sequence change replaces lysine, which is basic and polar, with arginine, which is basic and polar, at codon 1847 of the CREBBP protein (p.Lys1847Arg). This variant is not present in population databases (gnomAD no frequency). This variant has not been reported in the literature in individuals affected with CREBBP-related conditions. Advanced modeling of protein sequence and biophysical properties (such as structural, functional, and spatial information, amino acid conservation, physicochemical variation, residue mobility, and thermodynamic stability) has been performed at Invitae for this missense variant, however the output from this modeling did not meet the statistical confidence thresholds required to predict the impact of this variant on CREBBP protein function. In summary, the available evidence is currently insufficient to determine the role of this variant in disease. Therefore, it has been classified as a Variant of Uncertain Significance.